The following is an entry in ClinVar:

NM_001079.4(ZAP70):c.444G>C (p.Gln148His)

Gene: ZAP70 (zeta chain of T cell receptor associated protein kinase 70; plus strand). Cytogenetic location: 2q11.2.
Variant type: single nucleotide variant.
Coding change: c.444G>C on transcript NM_001079.4 (MANE Select); coding-DNA position 444, G replaced by C.
Protein change: p.Gln148His; replaces glutamine 148 with histidine.
Molecular consequence: missense variant.
Genome position (GRCh38, 1-based): chr2:97,725,133, G>C. VCF-style: chr2-97725133-G-C. GRCh37 (hg19) VCF-style: chr2-98341596-G-C.
Other names: c.444G>C, p.Gln148His (NM_001378594.1); short protein forms Q148H.
Identifiers: ClinVar variation 1716121 (VCV001716121.3), dbSNP rs1231391934, ClinGen allele CA347792388.

ClinVar aggregate classification (germline): Uncertain significance (1 of 4 stars; one submission).

Conditions:
Combined immunodeficiency due to ZAP70 deficiency (IMD48). Also called: ZAP70 Deficiency; Immunodeficiency 48. Identifiers: Orphanet 911, MedGen C2931299, MONDO:0010023, OMIM 269840.

gnomAD v4.1: 1 of 1,614,150 alleles (0.000062%); highest among the groups gnomAD compares: Non-Finnish European, 0.000085%; no homozygotes.

Submission:

Labcorp Genetics (formerly Invitae), Labcorp
Classification: Uncertain significance for Combined immunodeficiency due to ZAP70 deficiency. Last evaluated: 2022-08-11. Review status: criteria provided, single submitter. Criteria: Invitae Variant Classification Sherloc (09022015). Collection method: clinical testing. Allele origin: germline.
Comment: This sequence change replaces glutamine, which is neutral and polar, with histidine, which is basic and polar, at codon 148 of the ZAP70 protein (p.Gln148His). This variant is not present in population databases (gnomAD no frequency). This variant has not been reported in the literature in individuals affected with ZAP70-related conditions. Algorithms developed to predict the effect of missense changes on protein structure and function are either unavailable or do not agree on the potential impact of this missense change (SIFT: "Not Available"; PolyPhen-2: "Probably Damaging"; Align-GVGD: "Not Available"). In summary, the available evidence is currently insufficient to determine the role of this variant in disease. Therefore, it has been classified as a Variant of Uncertain Significance.